The following is an entry in ClinVar:

ClinVar aggregate classification (germline): Uncertain significance. Review status: criteria provided, multiple submitters, no conflicts (2 of 4 stars). 3 submissions from 3 submitters: Uncertain significance (3). Last evaluated 2025-06-26.

Conditions:
Fanconi anemia complementation group P. Also called: SLX4-Related Fanconi Anemia. Identifiers: Orphanet 84, MedGen C3469542, MONDO:0013499, OMIM 613951.
Fanconi anemia complementation group A (FANCA). Also called: Fanconi anemia, group A; FANCA-Related Fanconi Anemia. Identifiers: Orphanet 84, MedGen C3469521, MONDO:0009215, OMIM 227650.
Fanconi anemia (FA). Also called: Fanconi's anemia. Identifiers: Orphanet 84, MedGen C0015625, MeSH D005199, MONDO:0019391.

Allele frequency attached by ClinVar (database versions not stated): ExAC 0.00002; gnomAD exomes 0.00002.
gnomAD v4.1: 11 of 1,613,912 alleles (0.00068%); highest among the groups gnomAD compares: East Asian, 0.022%; no homozygotes.

Submissions (3):

Labcorp Genetics (formerly Invitae), Labcorp
Classification: Uncertain significance for Fanconi anemia. Last evaluated: 2025-06-26. Review status: criteria provided, single submitter. Criteria: Invitae Variant Classification Sherloc (09022015). Collection method: clinical testing. Allele origin: germline.
Comment: This sequence change replaces arginine, which is basic and polar, with glycine, which is neutral and non-polar, at codon 1341 of the SLX4 protein (p.Arg1341Gly). This variant is present in population databases (rs747230215, gnomAD 0.02%). This variant has not been reported in the literature in individuals affected with SLX4-related conditions. ClinVar contains an entry for this variant (Variation ID: 803197). An algorithm developed to predict the effect of missense changes on protein structure and function (PolyPhen-2) suggests that this variant is likely to be tolerated. In summary, the available evidence is currently insufficient to determine the role of this variant in disease. Therefore, it has been classified as a Variant of Uncertain Significance.

Fulgent Genetics
Classification: Uncertain significance for Fanconi anemia complementation group P. Last evaluated: 2022-04-14. Review status: criteria provided, single submitter. Criteria: ACMG Guidelines, 2015. Collection method: clinical testing. Allele origin: unknown.

Mendelics
Classification: Uncertain significance for Fanconi anemia complementation group A. Last evaluated: 2019-05-28. Review status: criteria provided, single submitter. Criteria: Mendelics Assertion Criteria 2017. Collection method: clinical testing. Allele origin: unknown.

NM_032444.4(SLX4):c.4021A>G (p.Arg1341Gly)

Gene: SLX4 (SLX4 structure-specific endonuclease subunit; minus strand). Cytogenetic location: 16p13.3.
Variant type: single nucleotide variant.
Coding change: c.4021A>G on transcript NM_032444.4 (MANE Select); coding-DNA position 4021, A replaced by G.
Protein change: p.Arg1341Gly; replaces arginine 1341 with glycine.
Molecular consequence: missense variant.
Genome position (GRCh38, 1-based): chr16:3,589,617, T>C on the plus strand (A>G on the coding strand, the complement: SLX4 is on the minus strand). VCF-style: chr16-3589617-T-C. GRCh37 (hg19) VCF-style: chr16-3639618-T-C.
Other names: short protein forms R1341G.
Identifiers: ClinVar variation 803197 (VCV000803197.10), dbSNP rs747230215, ClinGen allele CA7865761.